The following is an entry in ClinVar:

NM_000545.8(HNF1A):c.26A>T (p.Gln9Leu)

Gene: HNF1A (HNF1 homeobox A; plus strand). Cytogenetic location: 12q24.31.
Variant type: single nucleotide variant.
Coding change: c.26A>T on transcript NM_000545.8 (MANE Select); coding-DNA position 26, A replaced by T.
Protein change: p.Gln9Leu; replaces glutamine 9 with leucine.
Molecular consequence: missense variant.
Genome position (GRCh38, 1-based): chr12:120,978,794, A>T. VCF-style: chr12-120978794-A-T. GRCh37 (hg19) VCF-style: chr12-121416597-A-T.
Other names: c.26A>T, p.Gln9Leu (NM_001306179.2); short protein forms Q9L.
Identifiers: ClinVar variation 1679550 (VCV001679550.2), dbSNP rs1876081310, ClinGen allele CA386952314.

ClinVar aggregate classification (germline): Likely pathogenic (1 of 4 stars; one submission).

Conditions:
Maturity-onset diabetes of the young type 3. Also called: MODY type 3; MODY, type III. Identifiers: Orphanet 552, MedGen C1838100, MeSH C563933, MONDO:0010894, OMIM 600496. Disease mechanism: loss of function.

Submission:

National Newborn Screening Laboratory, Hospital Nacional de Niños
Classification: Likely pathogenic for Maturity-onset diabetes of the young type 3. Review status: criteria provided, single submitter. Criteria: ACMG Guidelines, 2015. Collection method: clinical testing. Allele origin: unknown. Inheritance: Autosomal dominant inheritance. Affected: yes. Observed: 1 variant allele, 1 heterozygote.
Comment: This is a missense variant located within exon 1 and generates a change from the aminoacid Glutamine to Leucine in position 9. It is located in a mutational hot spot (PM1). It is not present in population databases (GnomAD exomes, GnomAD genomes) (PM2). Multiple lines of computational evidence support a deleterious effect on the gene (PP3). Missense variant in a gene that has a low rate of benign missense variation for which missense variants are a common mechanism of a disease (PP2).